The following is an entry in ClinVar:

NM_020975.6(RET):c.57_65dup (p.Leu22_Gly23insProLeuLeu)

Gene: RET (ret proto-oncogene; plus strand). Cytogenetic location: 10q11.21.
Variant type: Duplication.
Coding change: c.57_65dup on transcript NM_020975.6 (MANE Select); coding-DNA positions 57 to 65, 9 bases duplicated (GCCGCTGCT; older notation c.57_65dupGCCGCTGCT).
Protein change: p.Leu22_Gly23insProLeuLeu.
Molecular consequence: inframe insertion. On other transcripts: inframe indel (42).
Genome position (GRCh38, 1-based): chr10:43,077,315-43,077,323, GCCGCTGCT duplicated; duplicating any 9 consecutive bases within chr10:43,077,309-43,077,323 gives the same sequence; the c. name uses the placement nearest the transcript's 3' end. VCF-style (leftmost placement, unchanged base first): chr10-43077308-T-TGCTGCTGCC. GRCh37 (hg19) VCF-style: chr10-43572756-T-TGCTGCTGCC.
Other names: c.57_65dupGCCGCTGCT (NM_020975.4); c.57_65dup, p.Leu22_Gly23insProLeuLeu (NM_001406766.1, NM_001406767.1, NM_001406768.1 and 38 more transcripts).
Identifiers: ClinVar variation 241364 (VCV000241364.15), dbSNP rs878855065, ClinGen allele CA10582718.

ClinVar aggregate classification (germline): Uncertain significance. Review status: criteria provided, multiple submitters, no conflicts (2 of 4 stars). 4 submissions from 4 submitters: Uncertain significance (4). Last evaluated 2025-11-22.

Conditions:
Hereditary cancer-predisposing syndrome. Also called: Tumor predisposition; Neoplastic Syndromes, Hereditary; Hereditary Cancer Syndrome; Hereditary neoplastic syndrome. Identifiers: Orphanet 140162, MedGen C0027672, MeSH D009386, MONDO:0015356.
Multiple endocrine neoplasia, type 2 (MEN2). Identifiers: Orphanet 653, MedGen C4048306, MONDO:0019003. Disease mechanism: gain of function.

Submissions (4):

Labcorp Genetics (formerly Invitae), Labcorp
Classification: Uncertain significance for Multiple endocrine neoplasia, type 2. Last evaluated: 2025-11-22. Review status: criteria provided, single submitter. Criteria: Invitae Variant Classification Sherloc (09022015). Collection method: clinical testing. Allele origin: germline.
Comment: This variant, c.57_65dup, results in the insertion of 3 amino acid(s) of the RET protein (p.Pro20_Leu22dup), but otherwise preserves the integrity of the reading frame. This variant is not present in population databases (gnomAD no frequency). This variant has not been reported in the literature in individuals affected with RET-related conditions. ClinVar contains an entry for this variant (Variation ID: 241364). Experimental studies and prediction algorithms are not available or were not evaluated, and the functional significance of this variant is currently unknown. In summary, the available evidence is currently insufficient to determine the role of this variant in disease. Therefore, it has been classified as a Variant of Uncertain Significance.

Quest Diagnostics Nichols Institute San Juan Capistrano
Classification: Uncertain significance. Last evaluated: 2025-11-07. Review status: criteria provided, single submitter. Criteria: Quest Diagnostics criteria. Collection method: clinical testing. Allele origin: unknown.

Color Diagnostics, LLC DBA Color Health
Classification: Uncertain significance for Multiple endocrine neoplasia, type 2. Last evaluated: 2025-06-17. Review status: criteria provided, single submitter. Criteria: ACMG Guidelines, 2015. Collection method: clinical testing. Allele origin: germline.
Comment: This variant causes an in-frame duplication of three amino acids at codons 20-22 in the RET protein. To our knowledge, functional studies have not been reported for this variant. This variant has not been reported in individuals affected with RET-related disorders in the literature. This variant has not been identified in the general population by the Genome Aggregation Database (gnomAD). The available evidence is insufficient to determine the role of this variant in disease conclusively. Therefore, this variant is classified as a Variant of Uncertain Significance.

Ambry Genetics
Classification: Uncertain significance for Hereditary cancer-predisposing syndrome. Last evaluated: 2025-04-11. Review status: criteria provided, single submitter. Criteria: Ambry Variant Classification Scheme 2023. Collection method: clinical testing. Allele origin: germline.
Comment: The c.57_65dupGCCGCTGCT variant (also known as p.P20_L22dup), located in coding exon 1 of the RET gene, results from an in-frame duplication of GCCGCTGCT at nucleotide positions 57 to 65. This results in the duplication of 3 residues (PLL) between codons 20 and 22. This amino acid region is well conserved in available vertebrate species. In addition, this alteration is predicted to be neutral by in silico analysis (Choi Y et al. PLoS ONE. 2012; 7(10):e46688). Based on the available evidence, the clinical significance of this variant remains unclear.